The following is an entry in ClinVar:

ClinVar aggregate classification (germline): Uncertain significance. Review status: criteria provided, multiple submitters, no conflicts (2 of 4 stars). 2 submissions from 2 submitters: Uncertain significance (2). Last evaluated 2024-11-06.

Conditions:
Infantile cerebellar-retinal degeneration (ICRD). Identifiers: Orphanet 313850, MedGen C3281192, MONDO:0013802, OMIM 614559.

gnomAD v4.1: 6 of 1,611,236 alleles (0.00037%); highest among the groups gnomAD compares: Admixed American, 0.0017%; no homozygotes.

Submissions (2):

Labcorp Genetics (formerly Invitae), Labcorp
Classification: Uncertain significance. Last evaluated: 2024-11-06. Review status: criteria provided, single submitter. Criteria: Invitae Variant Classification Sherloc (09022015). Collection method: clinical testing. Allele origin: germline.
Comment: This sequence change replaces valine, which is neutral and non-polar, with methionine, which is neutral and non-polar, at codon 163 of the ACO2 protein (p.Val163Met). This variant is present in population databases (rs759920667, gnomAD 0.003%). This variant has not been reported in the literature in individuals affected with ACO2-related conditions. ClinVar contains an entry for this variant (Variation ID: 1321276). Invitae Evidence Modeling of protein sequence and biophysical properties (such as structural, functional, and spatial information, amino acid conservation, physicochemical variation, residue mobility, and thermodynamic stability) indicates that this missense variant is not expected to disrupt ACO2 protein function with a negative predictive value of 80%. In summary, the available evidence is currently insufficient to determine the role of this variant in disease. Therefore, it has been classified as a Variant of Uncertain Significance.

3billion
Classification: Uncertain significance for Infantile cerebellar-retinal degeneration. Last evaluated: 2021-10-25. Review status: criteria provided, single submitter. Criteria: ACMG Guidelines, 2015. Collection method: clinical testing. Allele origin: unknown. Affected: yes. Observed: 1 heterozygote.
Comment: The variant is observed at an extremely low frequency in the gnomAD v2.1.1 dataset (total allele frequency: 0.000007, PM2). In silico tool predictions suggest damaging effect of the variant on gene or gene product (REVEL:0.54, PP3). Therefore, this variant is classified as uncertain significance according to the recommendation of ACMG/AMP guideline.

NM_001098.3(ACO2):c.487G>A (p.Val163Met)

Gene: ACO2 (aconitase 2; plus strand). Cytogenetic location: 22q13.2.
Variant type: single nucleotide variant.
Coding change: c.487G>A on transcript NM_001098.3 (MANE Select); coding-DNA position 487, G replaced by A.
Protein change: p.Val163Met; replaces valine 163 with methionine.
Molecular consequence: missense variant.
Genome position (GRCh38, 1-based): chr22:41,511,930, G>A. VCF-style: chr22-41511930-G-A. GRCh37 (hg19) VCF-style: chr22-41907934-G-A.
Other names: short protein forms V163M.
Identifiers: ClinVar variation 1321276 (VCV001321276.3), dbSNP rs759920667, ClinGen allele CA10257373.